The following is an entry in ClinVar:

NM_133497.4(KCNV2):c.617G>A (p.Arg206Gln)

Gene: KCNV2 (potassium voltage-gated channel modifier subfamily V member 2; plus strand). Cytogenetic location: 9p24.2.
Variant type: single nucleotide variant.
Coding change: c.617G>A on transcript NM_133497.4 (MANE Select); coding-DNA position 617, G replaced by A.
Protein change: p.Arg206Gln; replaces arginine 206 with glutamine.
Molecular consequence: missense variant.
Genome position (GRCh38, 1-based): chr9:2,718,356, G>A. VCF-style: chr9-2718356-G-A. GRCh37 (hg19) VCF-style: chr9-2718356-G-A.
Other names: short protein forms R206Q.
Identifiers: ClinVar variation 912729 (VCV000912729.12), dbSNP rs780813722, ClinGen allele CA4965539.
Genomic context (GRCh38, chr9:2,718,356, plus strand): 5'-GCTACTGGGGCGTGCGGCTCAAGTACACGCCACGCTGCTGCCGCATCTGCTTCGAGGAGC[G>A]GCGCGACGAGCTGAGCGAACGGCTCAAGATCCAGCACGAGCTGCGCGCGCAGGCGCAGGT-3'
Protein context (NP_598004.1, residues 196-216): PRCCRICFEE[Arg206Gln]RDELSERLKI

ClinVar aggregate classification (germline): Uncertain significance. Review status: criteria provided, multiple submitters, no conflicts (2 of 4 stars). 4 submissions from 4 submitters: Uncertain significance (4). Last evaluated 2024-10-10.

Conditions:
Inborn genetic diseases. Identifiers: MedGen C0950123, MeSH D030342.
Cone dystrophy with supernormal rod response (CDSRR). Also called: CONE DYSTROPHY WITH SUPERNORMAL ROD RESPONSES. Identifiers: Orphanet 209932, MedGen C1835897, MONDO:0012475, OMIM 610356.

Allele frequency attached by ClinVar (database versions not stated): ExAC 0.00001; TOPMed 0.00010.

Submissions (4):

Blueprint Genetics
Classification: Uncertain significance. Last evaluated: 2024-10-10. Review status: criteria provided, single submitter. Criteria: ACMG Guidelines, 2015. Collection method: clinical testing. Allele origin: germline.

Ambry Genetics
Classification: Uncertain significance for Inborn genetic diseases. Last evaluated: 2023-12-15. Review status: criteria provided, single submitter. Criteria: Ambry Variant Classification Scheme 2023. Collection method: clinical testing. Allele origin: germline.

Labcorp Genetics (formerly Invitae), Labcorp
Classification: Uncertain significance. Last evaluated: 2022-04-09. Review status: criteria provided, single submitter. Criteria: Invitae Variant Classification Sherloc (09022015). Collection method: clinical testing. Allele origin: germline.
Comment: This sequence change replaces arginine, which is basic and polar, with glutamine, which is neutral and polar, at codon 206 of the KCNV2 protein (p.Arg206Gln). This variant is present in population databases (rs780813722, gnomAD 0.01%). This variant has not been reported in the literature in individuals affected with KCNV2-related conditions. ClinVar contains an entry for this variant (Variation ID: 912729). Advanced modeling of protein sequence and biophysical properties (such as structural, functional, and spatial information, amino acid conservation, physicochemical variation, residue mobility, and thermodynamic stability) performed at Invitae indicates that this missense variant is not expected to disrupt KCNV2 protein function. In summary, the available evidence is currently insufficient to determine the role of this variant in disease. Therefore, it has been classified as a Variant of Uncertain Significance.

Illumina Laboratory Services, Illumina
Classification: Uncertain significance for Cone dystrophy with supernormal rod response. Last evaluated: 2018-01-13. Review status: criteria provided, single submitter. Criteria: ICSL Variant Classification Criteria 13 December 2019. Collection method: clinical testing. Allele origin: germline.